The following is an entry in ClinVar:

ClinVar aggregate classification (germline): Conflicting classifications of pathogenicity. Review status: criteria provided, conflicting classifications (1 of 4 stars). 3 submissions from 3 submitters: Uncertain significance (1); Likely benign (2). Last evaluated 2025-10-24.

Conditions:
Adams-Oliver syndrome 5 (AOS5). Identifiers: Orphanet 974, MedGen C4014970, MONDO:0014459, OMIM 616028.
Familial thoracic aortic aneurysm and aortic dissection (TAAD). Also called: Thoracic aortic aneurysms and dissections. Identifiers: Orphanet 91387, MedGen C4707243, MONDO:0019625.

Allele frequency attached by ClinVar (database versions not stated): gnomAD 0.00001; gnomAD exomes 0.00001 and 0.00003; ExAC 0.00002; TOPMed 0.00003.
gnomAD v4.1: 43 of 1,612,142 alleles (0.0027%); highest among the groups gnomAD compares: East Asian, 0.0067%; no homozygotes.

Submissions (3):

Mayo Clinic Laboratories, Mayo Clinic
Classification: Likely benign. Last evaluated: 2025-10-24. Review status: criteria provided, single submitter. Criteria: ACMG Guidelines, 2015. Collection method: clinical testing. Allele origin: germline. Observed: 1 variant allele.
Comment: BP4, BP7

Ambry Genetics
Classification: Uncertain significance for Familial thoracic aortic aneurysm and aortic dissection. Last evaluated: 2025-09-11. Review status: criteria provided, single submitter. Criteria: Ambry Variant Classification Scheme 2023. Collection method: clinical testing. Allele origin: germline.
Comment: The c.5619C>T variant (also known as p.D1873D), located in coding exon 30 of the NOTCH1 gene, results from a C to T substitution at nucleotide position 5619. This nucleotide substitution does not change the amino acid at codon 1873. This nucleotide position is poorly conserved in available vertebrate species. In silico splice site analysis predicts that this alteration may result in the creation or strengthening of a novel splice donor site. Based on the available evidence, the clinical significance of this variant remains unclear.

Labcorp Genetics (formerly Invitae), Labcorp
Classification: Likely benign for Adams-Oliver syndrome 5. Last evaluated: 2024-08-06. Review status: criteria provided, single submitter. Criteria: Invitae Variant Classification Sherloc (09022015). Collection method: clinical testing. Allele origin: germline.

NM_017617.5(NOTCH1):c.5619C>T (p.Asp1873=)

Gene: NOTCH1 (notch receptor 1; minus strand). Cytogenetic location: 9q34.3.
Variant type: single nucleotide variant.
Coding change: c.5619C>T on transcript NM_017617.5 (MANE Select); coding-DNA position 5619, C replaced by T.
Protein change: p.Asp1873=; no amino-acid change (aspartic acid 1873 retained).
Molecular consequence: synonymous variant.
Genome position (GRCh38, 1-based): chr9:136,501,767, G>A on the plus strand (C>T on the coding strand, the complement: NOTCH1 is on the minus strand). VCF-style: chr9-136501767-G-A. GRCh37 (hg19) VCF-style: chr9-139396219-G-A.
Other names: p.Asp1873=; c.5619C>T (NM_017617.3).
Identifiers: ClinVar variation 1567409 (VCV001567409.10), dbSNP rs770755811, ClinGen allele CA5340195.
Genomic context (GRCh38, chr9:136,501,767, plus strand): 5'-GGCCACGGGGCTAGGGAAGCCCTGGCTGCTGGCACCCTTACCAGGCCCGCGGACATTGAC[G>A]TCCATGCAGTCGGCGTCAACCTCACCCTGGGGCGGTGTGGGGGCCATGGCAGACATGCGC-3'
Protein context (NP_060087.3, residues 1863-1883): PQGEVDADCM[Asp1873=]VNVRGPDGFT